The following is an entry in ClinVar:

NM_000091.5(COL4A3):c.21C>A (p.Pro7=)

Genes: COL4A3 (collagen type IV alpha 3 chain; plus strand), LOC129935730 (ATAC-STARR-seq lymphoblastoid silent region 12397; plus strand). Cytogenetic location: 2q36.3.
Variant type: single nucleotide variant.
Coding change: c.21C>A on transcript NM_000091.5 (MANE Select); coding-DNA position 21, C replaced by A.
Protein change: p.Pro7=; no amino-acid change (proline 7 retained).
Molecular consequence: synonymous variant.
Genome position (GRCh38, 1-based): chr2:227,164,747, C>A. VCF-style: chr2-227164747-C-A. GRCh37 (hg19) VCF-style: chr2-228029463-C-A.
Identifiers: ClinVar variation 517578 (VCV000517578.16), dbSNP rs530353117, ClinGen allele CA2145886.

ClinVar aggregate classification (germline): Likely benign. Review status: criteria provided, multiple submitters, no conflicts (2 of 4 stars). 4 submissions from 4 submitters: Likely benign (4). Last evaluated 2026-01-22.

Conditions:
Autosomal dominant Alport syndrome (ATS3A). Also called: ALPORT SYNDROME 3A, AUTOSOMAL DOMINANT; Alport syndrome dominant type; Renal failure and sensorineural hearing loss. Identifiers: Orphanet 63, Orphanet 88918, MedGen C5882663, MONDO:0007086, OMIM 104200.
Autosomal recessive Alport syndrome (ATS2). Also called: COL4A3-Related Nephropathy; Alport syndrome type 2; ALPORT SYNDROME 2, AUTOSOMAL RECESSIVE; COL4A4 Alport Syndrome and Thin Basement Membrane Nephropathy. Identifiers: Orphanet 63, Orphanet 88919, MedGen C4746745, MONDO:0008762, OMIM 203780.
Benign familial hematuria. Also called: thin basement membrane disease. Identifiers: MedGen C0241908, MONDO:0957317.

Allele frequency attached by ClinVar (database versions not stated): gnomAD 0.00041 and 0.00045; ExAC below 0.00001; gnomAD exomes 0.00008; TOPMed 0.00037; 1000 Genomes Project 30x 0.00094; 1000 Genomes Project 0.00080.
gnomAD v4.1: 146 of 1,527,366 alleles (0.0096%); highest among the groups gnomAD compares: African/African-American, 0.17%; 1 homozygote.

Submissions (4):

Labcorp Genetics (formerly Invitae), Labcorp
Classification: Likely benign. Last evaluated: 2026-01-22. Review status: criteria provided, single submitter. Criteria: Invitae Variant Classification Sherloc (09022015). Collection method: clinical testing. Allele origin: germline.

Fulgent Genetics
Classification: Likely benign for Autosomal dominant Alport syndrome; Hematuria, benign familial, 1; Autosomal recessive Alport syndrome. Last evaluated: 2021-11-03. Review status: criteria provided, single submitter. Criteria: ACMG Guidelines, 2015. Collection method: clinical testing. Allele origin: unknown.

GeneDx
Classification: Likely benign. Last evaluated: 2021-05-12. Review status: criteria provided, single submitter. Criteria: GeneDx Variant Classification Process June 2021. Collection method: clinical testing. Allele origin: germline. Affected: yes.

Laboratory for Molecular Medicine, Mass General Brigham Personalized Medicine
Classification: Likely benign. Last evaluated: 2017-08-23. Review status: criteria provided, single submitter. Criteria: LMM Criteria. Collection method: clinical testing. Allele origin: germline. Observed: 1 variant allele.
Comment: p.Pro7Pro in exon 1 of COL4A3: This variant is not expected to have clinical sig nificance because it does not alter an amino acid residue and is not located wit hin the splice consensus sequence. It has been identified in 0.2% (25/13148) of African chromosomes by the Genome Aggregation Database (gnomAD; dbSNP rs530353117).